The following is an entry in ClinVar:

NM_001393769.1(MED12L):c.3177T>A (p.Asp1059Glu)

Genes: MED12L (mediator complex subunit 12L; plus strand), P2RY12 (purinergic receptor P2Y12; minus strand). Cytogenetic location: 3q25.1.
Variant type: single nucleotide variant.
Coding change: c.3177T>A on transcript NM_001393769.1 (MANE Select); coding-DNA position 3177, T replaced by A.
Protein change: p.Asp1059Glu; replaces aspartic acid 1059 with glutamic acid.
Molecular consequence: missense variant. On other transcripts: intron variant (1).
Genome position (GRCh38, 1-based): chr3:151,365,198, T>A. VCF-style: chr3-151365198-T-A. GRCh37 (hg19) VCF-style: chr3-151082986-T-A.
Other names: c.3072T>A, p.Asp1024Glu (NM_053002.6); c.-180+19494A>T (NM_022788.5); short protein forms D1024E, D1059E.
Identifiers: ClinVar variation 1695590 (VCV001695590.2), dbSNP rs1367136238, ClinGen allele CA354969125.

ClinVar aggregate classification (germline): Uncertain significance (1 of 4 stars; one submission).

Submission:

GeneDx
Classification: Uncertain significance. Last evaluated: 2022-01-08. Review status: criteria provided, single submitter. Criteria: GeneDx Variant Classification Process June 2021. Collection method: clinical testing. Allele origin: germline. Affected: yes.
Comment: Not observed at significant frequency in large population cohorts (gnomAD); In silico analysis supports that this missense variant has a deleterious effect on protein structure/function; Has not been previously published as pathogenic or benign to our knowledge